The following is an entry in ClinVar:

ClinVar aggregate classification (germline): Likely benign. Review status: criteria provided, multiple submitters, no conflicts (2 of 4 stars). 3 submissions from 3 submitters: Likely benign (3). Last evaluated 2026-05-01.

Conditions:
Landau-Kleffner syndrome (FESD). Also called: EPILEPSY, FOCAL, WITH SPEECH DISORDER AND WITH OR WITHOUT MENTAL RETARDATION; APHASIA, ACQUIRED, WITH EPILEPSY. Identifiers: Orphanet 1945, Orphanet 725, Orphanet 98818, MedGen C0282512, MONDO:0009509, OMIM 245570.

Allele frequency attached by ClinVar (database versions not stated): ExAC 0.00002; gnomAD 0.00004; gnomAD exomes 0.00002; TOPMed 0.00002.
gnomAD v4.1: 32 of 1,613,512 alleles (0.002%); highest among the groups gnomAD compares: South Asian, 0.015%; no homozygotes.

Submissions (3):

CeGaT Center for Human Genetics Tuebingen
Classification: Likely benign. Last evaluated: 2026-05-01. Review status: criteria provided, single submitter. Criteria: CeGaT Center For Human Genetics Tuebingen Variant Classification Criteria Version 2. Collection method: clinical testing. Allele origin: germline. Affected: yes. Observed: 1 variant allele.
Comment: GRIN2A: BP4, BP7

Labcorp Genetics (formerly Invitae), Labcorp
Classification: Likely benign for Landau-Kleffner syndrome. Last evaluated: 2025-05-30. Review status: criteria provided, single submitter. Criteria: Invitae Variant Classification Sherloc (09022015). Collection method: clinical testing. Allele origin: germline.

GeneDx
Classification: Likely benign. Last evaluated: 2020-01-29. Review status: criteria provided, single submitter. Criteria: GeneDx Variant Classification Process June 2021. Collection method: clinical testing. Allele origin: germline. Affected: yes.

NM_001134407.3(GRIN2A):c.747C>T (p.Thr249=)

Gene: GRIN2A (glutamate ionotropic receptor NMDA type subunit 2A; minus strand). Cytogenetic location: 16p13.2.
Variant type: single nucleotide variant.
Coding change: c.747C>T on transcript NM_001134407.3 (MANE Select); coding-DNA position 747, C replaced by T.
Protein change: p.Thr249=; no amino-acid change (threonine 249 retained).
Molecular consequence: synonymous variant.
Genome position (GRCh38, 1-based): chr16:9,938,219, G>A on the plus strand (C>T on the coding strand, the complement: GRIN2A is on the minus strand). VCF-style: chr16-9938219-G-A. GRCh37 (hg19) VCF-style: chr16-10032076-G-A.
Other names: c.747C>T, p.Thr249= (NM_000833.5, NM_001134408.2).
Identifiers: ClinVar variation 317667 (VCV000317667.19), dbSNP rs774169125, ClinGen allele CA7896904.
Genomic context (GRCh38, chr16:9,938,219, plus strand): 5'-TGGGATGAGCTCCGTGTTCCCAGAGACCAAGCTGGGGACAATCCAGAAGAAATCATACCC[G>A]GTGAGGCCAAGGGAGCGGGCCTCACTCAGAATGAGAACAGCCTCGTCTTTGGAACAGTAG-3'
Protein context (NP_001127879.1, residues 239-259): ILSEARSLGL[Thr249=]GYDFFWIVPS